The following is an entry in ClinVar:

ClinVar aggregate classification (germline): Uncertain significance. Review status: criteria provided, single submitter (1 of 4 stars). 2 submissions from 2 submitters: Uncertain significance (1). 1 of the submissions does not count toward it. Last evaluated 2025-11-25.

Conditions:
Polycystic kidney disease, adult type (PKD1). Also called: Polycystic Kidney, Autosomal Dominant; Polycystic Kidney Disease 1, Autosomal Dominant; Polycystic kidney disease 1; Polycystic kidney disease 1, severe; POLYCYSTIC KIDNEY DISEASE 1 WITH OR WITHOUT POLYCYSTIC LIVER DISEASE; POLYCYSTIC KIDNEY DISEASE, ADULT, TYPE I. Identifiers: MedGen C3149841, MONDO:0008263, OMIM 173900.
PKD1-related disorder. Also called: PKD1-related condition.

Submissions (2):

PreventionGenetics, part of Exact Sciences
Classification: Uncertain significance for PKD1-related condition. Last evaluated: 2025-11-25. Review status: criteria provided, single submitter. Criteria: ACMG Guidelines, 2015. Collection method: clinical testing. Allele origin: germline.
Comment: The PKD1 c.9575G>T variant is predicted to result in the amino acid substitution p.Ser3192Ile. To our knowledge, this variant has not been reported in the literature or in a large population database (gnomAD), indicating this variant is rare. The REVEL (rare exome variant ensemble learner) program predicts this variant is pathogenic at a "supporting" level (Ioannidis et al. 2016. PubMed ID: 27666373; Bergquist et al. 2024. PubMed ID: 39345488). Although we suspect that this variant may be pathogenic, at this time, the clinical significance of this variant is uncertain due to the absence of conclusive functional and genetic evidence.

Institute of Human Genetics, Cologne University
Classification: Uncertain significance for Polycystic kidney disease, adult type. Review status: no assertion criteria provided. Collection method: case-control. Allele origin: unknown. Inheritance: Autosomal dominant inheritance. Affected: yes. Observed: 1 heterozygote. Not counted in ClinVar's aggregate classification.

NM_001009944.3(PKD1):c.9575G>T (p.Ser3192Ile)

Gene: PKD1 (polycystin 1, transient receptor potential channel interacting; minus strand). Cytogenetic location: 16p13.3.
Variant type: single nucleotide variant.
Coding change: c.9575G>T on transcript NM_001009944.3 (MANE Select); coding-DNA position 9575, G replaced by T.
Protein change: p.Ser3192Ile; replaces serine 3192 with isoleucine.
Molecular consequence: missense variant.
Genome position (GRCh38, 1-based): chr16:2,100,303, C>A on the plus strand (G>T on the coding strand, the complement: PKD1 is on the minus strand). VCF-style: chr16-2100303-C-A. GRCh37 (hg19) VCF-style: chr16-2150304-C-A.
Other names: c.9575G>T, p.Ser3192Ile (NM_000296.4); short protein forms S3192I.
Identifiers: ClinVar variation 977792 (VCV000977792.2), dbSNP rs2092040135, ClinGen allele CA394355588.
Genomic context (GRCh38, chr16:2,100,303, plus strand): 5'-AAGGCGCTGCGTGCCGTCTGCAGGTCCCTGACGATGACGTGCTGCAGGAACCAGGCAGGG[C>A]TGAGCCCTGCAGAGGCGCAGGAGGGAGGTCAGGCTCGCAGGGCGCCCCAATGCGGGGGCA-3'
Protein context (NP_001009944.3, residues 3182-3202): IRVWHDNKGL[Ser3192Ile]PAWFLQHVIV